The following is an entry in ClinVar:

ClinVar aggregate classification (germline): Likely benign (1 of 4 stars; one submission).

Conditions:
Arrhythmogenic cardiomyopathy with wooly hair and keratoderma. Also called: Carvajal syndrome; PALMOPLANTAR KERATODERMA WITH LEFT VENTRICULAR CARDIOMYOPATHY AND WOOLLY HAIR; Dilated cardiomyopathy with woolly hair and keratoderma; Arrhythmogenic cardiomyopathy with woolly hair and keratoderma. Identifiers: Orphanet 65282, MedGen C1854063, MONDO:0011581, OMIM 605676.

Submission:

All of Us Research Program, National Institutes of Health
Classification: Likely benign for Arrhythmogenic cardiomyopathy with wooly hair and keratoderma. Last evaluated: 2024-05-14. Review status: criteria provided, single submitter. Criteria: ACMG Guidelines, 2015. Collection method: clinical testing. Allele origin: germline. Inheritance: Autosomal dominant inheritance. Observed: 1 variant allele, 1 heterozygote.
Comment: This study involves interpretation of variants in research participants for the purpose of population health screening. Participant phenotype was not available at the time of variant classification. Additional details can be found in publication PMID: 35346344, PMCID: PMC8962531

NM_004415.4(DSP):c.2589G>T (p.Leu863=)

Gene: DSP (desmoplakin; plus strand). Cytogenetic location: 6p24.3.
Variant type: single nucleotide variant.
Coding change: c.2589G>T on transcript NM_004415.4 (MANE Select); coding-DNA position 2589, G replaced by T.
Protein change: p.Leu863=; no amino-acid change (leucine 863 retained).
Molecular consequence: synonymous variant.
Genome position (GRCh38, 1-based): chr6:7,575,447, G>T. VCF-style: chr6-7575447-G-T. GRCh37 (hg19) VCF-style: chr6-7575680-G-T.
Other names: c.2589G>T, p.Leu863= (NM_001008844.3, NM_001319034.2).
Identifiers: ClinVar variation 3386646 (VCV003386646.1).